The following is an entry in ClinVar:

NM_000243.3(MEFV):c.1144G>C (p.Val382Leu)

Gene: MEFV (MEFV innate immunity regulator, pyrin; minus strand). Cytogenetic location: 16p13.3.
Variant type: single nucleotide variant.
Coding change: c.1144G>C on transcript NM_000243.3 (MANE Select); coding-DNA position 1144, G replaced by C.
Protein change: p.Val382Leu; replaces valine 382 with leucine.
Molecular consequence: missense variant.
Genome position (GRCh38, 1-based): chr16:3,249,547, C>G on the plus strand (G>C on the coding strand, the complement: MEFV is on the minus strand). VCF-style: chr16-3249547-C-G. GRCh37 (hg19) VCF-style: chr16-3299547-C-G.
Other names: c.511G>C, p.Val171Leu (NM_001198536.2); short protein forms V171L, V382L.
Identifiers: ClinVar variation 4053615 (VCV004053615.1).

ClinVar aggregate classification (germline): Uncertain significance (1 of 4 stars; one submission).

Conditions:
Inborn genetic diseases. Identifiers: MedGen C0950123, MeSH D030342.

gnomAD v4.1: 6 of 1,614,082 alleles (0.00037%); highest among the groups gnomAD compares: Non-Finnish European, 0.00051%; no homozygotes.

Submission:

Ambry Genetics
Classification: Uncertain significance for Inborn genetic diseases. Last evaluated: 2025-06-07. Review status: criteria provided, single submitter. Criteria: Ambry Variant Classification Scheme 2023. Collection method: clinical testing. Allele origin: germline.
Comment: The p.V382L variant (also known as c.1144G>C), located in coding exon 3 of the MEFV gene, results from a G to C substitution at nucleotide position 1144. The valine at codon 382 is replaced by leucine, an amino acid with highly similar properties. This amino acid position is conserved. In addition, in silico predictors for this gene do not accurately predict pathogenicity. Based on the available evidence, the clinical significance of this variant remains unclear.